The following is an entry in ClinVar:

NM_003850.3(SUCLA2):c.251dup (p.Tyr84Ter)

Gene: SUCLA2 (succinate-CoA ligase ADP-forming subunit beta; minus strand). Cytogenetic location: 13q14.2.
Variant type: Duplication.
Coding change: c.251dup on transcript NM_003850.3 (MANE Select); coding-DNA position 251, one base duplicated (A; older notation c.251dupA).
Protein change: p.Tyr84Ter; replaces tyrosine 84 with a stop codon.
Molecular consequence: nonsense.
Genome position (GRCh38, 1-based): chr13:47,996,863, T duplicated on the plus strand (A on the coding strand, the reverse complement: SUCLA2 is on the minus strand). VCF-style (leftmost placement, unchanged base first): chr13-47996862-A-AT. GRCh37 (hg19) VCF-style: chr13-48570997-A-AT.
Other names: short protein forms Y84*.
Identifiers: ClinVar variation 1458811 (VCV001458811.6), dbSNP rs1309421397, ClinGen allele CA609574847.
Genomic context (GRCh38, chr13:47,996,862, plus strand): 5'-CTCTCATGTCAAGGTGGCAAAAGCTTTTCTTAATTTAGTACCTAATTTTTTGGCAATTGC[A>AT]TAAGCTTCATCTGGTGACTTTGCCACATATCCTTTGGGAACGGAGACACCAGCTTCTTGC-3'

ClinVar aggregate classification (germline): Pathogenic (1 of 4 stars; one submission).

Conditions:
Mitochondrial DNA depletion syndrome, encephalomyopathic form with methylmalonic aciduria (MTDPS5). Also called: MITOCHONDRIAL DNA DEPLETION SYNDROME, ENCEPHALOMYOPATHIC FORM, WITH OR WITHOUT METHYLMALONIC ACIDURIA, AUTOSOMAL RECESSIVE, SUCLA2-RELATED; Mitochondrial DNA depletion syndrome 5 (encephalomyopathic with or without methylmalonic aciduria); SUCLA2-Related Mitochondrial DNA Depletion Syndrome, Encephalomyopathic Form with Methylmalonic Aciduria; Mitochondrial encephalomyopathy aminoacidopathy. Identifiers: Orphanet 1933, MedGen C5980207, MONDO:0012791, OMIM 612073.

Allele frequency attached by ClinVar (database versions not stated): gnomAD exomes below 0.00001.

Submission:

Labcorp Genetics (formerly Invitae), Labcorp
Classification: Pathogenic for Mitochondrial DNA depletion syndrome, encephalomyopathic form with methylmalonic aciduria. Last evaluated: 2025-04-23. Review status: criteria provided, single submitter. Criteria: Invitae Variant Classification Sherloc (09022015). Collection method: clinical testing. Allele origin: germline.
Comment: This sequence change creates a premature translational stop signal (p.Tyr84*) in the SUCLA2 gene. It is expected to result in an absent or disrupted protein product. Loss-of-function variants in SUCLA2 are known to be pathogenic (PMID: 15877282, 17301081). This variant is present in population databases (no rsID available, gnomAD 0.0009%). This variant has not been reported in the literature in individuals affected with SUCLA2-related conditions. ClinVar contains an entry for this variant (Variation ID: 1458811). For these reasons, this variant has been classified as Pathogenic.

Literature cited by the submitters: PubMed 15877282; PubMed 17301081.